The following is an entry in ClinVar:

ClinVar aggregate classification (germline): Benign. Review status: criteria provided, multiple submitters, no conflicts (2 of 4 stars). 3 submissions from 3 submitters: Benign (3). Last evaluated 2026-01-05.

Allele frequency attached by ClinVar (database versions not stated): gnomAD exomes 0.00235; ExAC 0.00272; 1000 Genomes Project 0.00899; ESP Exome Variant Server 0.00918; 1000 Genomes Project 30x 0.00968; gnomAD 0.01000 and 0.01082; TOPMed 0.01079.
gnomAD v4.1: 2,913 of 1,613,812 alleles (0.18%); highest among the groups gnomAD compares: African/African-American, 3.6%; 56 homozygotes.

Submissions (3):

Labcorp Genetics (formerly Invitae), Labcorp
Classification: Benign. Last evaluated: 2026-01-05. Review status: criteria provided, single submitter. Criteria: Invitae Variant Classification Sherloc (09022015). Collection method: clinical testing. Allele origin: germline.

GeneDx
Classification: Benign. Last evaluated: 2016-02-12. Review status: criteria provided, single submitter. Criteria: GeneDx Variant Classification (06012015). Collection method: clinical testing. Allele origin: germline. Affected: yes.
Comment: This variant is considered likely benign or benign based on one or more of the following criteria: it is a conservative change, it occurs at a poorly conserved position in the protein, it is predicted to be benign by multiple in silico algorithms, and/or has population frequency not consistent with disease.

Breakthrough Genomics
Classification: Benign. Review status: criteria provided, single submitter. Criteria: ACMG Guidelines, 2015. Collection method: not provided. Allele origin: germline. Inheritance: Autosomal recessive inheritance. Affected: yes.

NM_001085372.3(UQCC3):c.121-11C>T

Genes: LBHD1 (LBH domain containing 1; minus strand), UQCC3 (ubiquinol-cytochrome c reductase complex assembly factor 3; plus strand). Cytogenetic location: 11q12.3.
Variant type: single nucleotide variant.
Coding change: c.121-11C>T on transcript NM_001085372.3 (MANE Select); 11 bases into the intron before coding-DNA position 121, C replaced by T.
Molecular consequence: intron variant.
Genome position (GRCh38, 1-based): chr11:62,671,942, C>T. VCF-style: chr11-62671942-C-T. GRCh37 (hg19) VCF-style: chr11-62439414-C-T.
Identifiers: ClinVar variation 381444 (VCV000381444.10), dbSNP rs184836500, ClinGen allele CA6052568.